The following is an entry in ClinVar:

ClinVar aggregate classification (germline): Uncertain significance. Review status: criteria provided, multiple submitters, no conflicts (2 of 4 stars). 3 submissions from 3 submitters: Uncertain significance (3). Last evaluated 2025-01-08.

Conditions:
Breast-ovarian cancer, familial, susceptibility to, 3. Also called: RAD51C-Related Breast/Ovarian Cancer. Identifiers: Orphanet 145, MedGen C3150659, MONDO:0013253, OMIM 613399.
Fanconi anemia complementation group O. Also called: RAD51C-Related Fanconi Anemia. Identifiers: MONDO:0013248, OMIM 613390, Orphanet 84, MedGen C3150653.
Hereditary cancer-predisposing syndrome. Also called: Hereditary neoplastic syndrome; Neoplastic Syndromes, Hereditary; Tumor predisposition; Hereditary Cancer Syndrome. Identifiers: Orphanet 140162, MedGen C0027672, MeSH D009386, MONDO:0015356.

Submissions (3):

Ambry Genetics
Classification: Uncertain significance for Hereditary cancer-predisposing syndrome. Last evaluated: 2025-01-08. Review status: criteria provided, single submitter. Criteria: Ambry Variant Classification Scheme 2023. Collection method: clinical testing. Allele origin: germline.
Comment: The p.P116S variant (also known as c.346C>T), located in coding exon 2 of the RAD51C gene, results from a C to T substitution at nucleotide position 346. The proline at codon 116 is replaced by serine, an amino acid with similar properties. This variant was reported in 1 of 701 Brazilian individuals with features consistent with a hereditary breast and/or ovarian cancer syndrome (Faria JP et al. Breast Cancer Res Treat, 2024 Oct;207:615-624). This amino acid position is well conserved in available vertebrate species. In addition, the in silico prediction for this alteration is inconclusive. Based on the available evidence, the clinical significance of this variant remains unclear.

Labcorp Genetics (formerly Invitae), Labcorp
Classification: Uncertain significance for Fanconi anemia complementation group O. Last evaluated: 2024-02-05. Review status: criteria provided, single submitter. Criteria: Invitae Variant Classification Sherloc (09022015). Collection method: clinical testing. Allele origin: germline.
Comment: This sequence change replaces proline, which is neutral and non-polar, with serine, which is neutral and polar, at codon 116 of the RAD51C protein (p.Pro116Ser). This variant is not present in population databases (gnomAD no frequency). This variant has not been reported in the literature in individuals affected with RAD51C-related conditions. ClinVar contains an entry for this variant (Variation ID: 1969528). Advanced modeling of protein sequence and biophysical properties (such as structural, functional, and spatial information, amino acid conservation, physicochemical variation, residue mobility, and thermodynamic stability) performed at Invitae indicates that this missense variant is not expected to disrupt RAD51C protein function with a negative predictive value of 80%. In summary, the available evidence is currently insufficient to determine the role of this variant in disease. Therefore, it has been classified as a Variant of Uncertain Significance.

Baylor Genetics
Classification: Uncertain significance for Breast-ovarian cancer, familial, susceptibility to, 3. Last evaluated: 2023-12-11. Review status: criteria provided, single submitter. Criteria: ACMG Guidelines, 2015. Collection method: clinical testing. Allele origin: unknown.

Literature cited by the submitters: PubMed 38874686 (cited by Ambry Genetics).

NM_058216.3(RAD51C):c.346C>T (p.Pro116Ser)

Gene: RAD51C (RAD51 paralog C; plus strand). Cytogenetic location: 17q22.
Variant type: single nucleotide variant.
Coding change: c.346C>T on transcript NM_058216.3 (MANE Select); coding-DNA position 346, C replaced by T.
Protein change: p.Pro116Ser; replaces proline 116 with serine.
Molecular consequence: missense variant. On other transcripts: non-coding transcript variant (2).
Genome position (GRCh38, 1-based): chr17:58,695,131, C>T. VCF-style: chr17-58695131-C-T. GRCh37 (hg19) VCF-style: chr17-56772492-C-T.
Other names: c.346C>T, p.Pro116Ser (NM_002876.4, NM_058217.1); short protein forms P116S.
Identifiers: ClinVar variation 1969528 (VCV001969528.6), dbSNP rs2047955609, ClinGen allele CA400341474.
Genomic context (GRCh38, chr17:58,695,131, plus strand): 5'-ACCCAGGGCTTCATAATCACCTTCTGTTCAGCACTAGATGATATTCTTGGGGGTGGAGTG[C>T]CCTTAATGAAAACAACAGAAATTTGTGGTGCACCAGGTGTTGGAAAAACACAATTATGGT-3'
Protein context (NP_478123.1, residues 106-126): ALDDILGGGV[Pro116Ser]LMKTTEICGA